The following is an entry in ClinVar:

ClinVar aggregate classification (germline): Benign (1 of 4 stars; one submission).

Allele frequency attached by ClinVar (database versions not stated): 1000 Genomes Project 30x 0.26889; 1000 Genomes Project 0.27117; gnomAD 0.30009 and 0.30425; TOPMed 0.30403; gnomAD exomes 0.37117.
gnomAD v4.1: 275,009 of 769,868 alleles (36%); highest among the groups gnomAD compares: Admixed American, 46%; 53,435 homozygotes.

Submission:

GeneDx
Classification: Benign. Last evaluated: 2018-06-18. Review status: criteria provided, single submitter. Criteria: GeneDx Variant Classification (06012015). Collection method: clinical testing. Allele origin: germline. Affected: yes.
Comment: This variant is considered likely benign or benign based on one or more of the following criteria: it is a conservative change, it occurs at a poorly conserved position in the protein, it is predicted to be benign by multiple in silico algorithms, and/or has population frequency not consistent with disease.

NM_005477.3(HCN4):c.1979-150G>A

Gene: HCN4 (hyperpolarization activated cyclic nucleotide gated potassium channel 4; minus strand). Cytogenetic location: 15q24.1.
Variant type: single nucleotide variant.
Coding change: c.1979-150G>A on transcript NM_005477.3 (MANE Select); 150 bases into the intron before coding-DNA position 1979, G replaced by A.
Molecular consequence: intron variant.
Genome position (GRCh38, 1-based): chr15:73,324,403, C>T on the plus strand (G>A on the coding strand, the complement: HCN4 is on the minus strand). VCF-style: chr15-73324403-C-T. GRCh37 (hg19) VCF-style: chr15-73616744-C-T.
Identifiers: ClinVar variation 672399 (VCV000672399.1), dbSNP rs62015502, ClinGen allele CA14121285.